The following is an entry in ClinVar:

ClinVar aggregate classification (germline): Uncertain significance (1 of 4 stars; one submission).

Submission:

CeGaT Center for Human Genetics Tuebingen
Classification: Uncertain significance. Last evaluated: 2024-09-01. Review status: criteria provided, single submitter. Criteria: CeGaT Center For Human Genetics Tuebingen Variant Classification Criteria Version 2. Collection method: clinical testing. Allele origin: germline. Affected: yes. Observed: 1 variant allele.
Comment: AFF4: PM2

NM_014423.4(AFF4):c.2898dup (p.Phe967fs)

Gene: AFF4 (ALF transcription elongation factor 4; minus strand). Cytogenetic location: 5q31.1.
Variant type: Duplication.
Coding change: c.2898dup on transcript NM_014423.4 (MANE Select); coding-DNA position 2898, one base duplicated (A; older notation c.2898dupA).
Protein change: p.Phe967fs; shifts the reading frame from phenylalanine 967.
Molecular consequence: frameshift variant.
Genome position (GRCh38, 1-based): chr5:132,887,881, T duplicated on the plus strand (A on the coding strand, the reverse complement: AFF4 is on the minus strand). VCF-style (leftmost placement, unchanged base first): chr5-132887880-A-AT. GRCh37 (hg19) VCF-style: chr5-132223572-A-AT.
Other names: short protein forms F967fs.
Identifiers: ClinVar variation 3389598 (VCV003389598.14).